The following is an entry in ClinVar:

ClinVar aggregate classification (germline): Pathogenic (1 of 4 stars; one submission).

Conditions:
Duchenne muscular dystrophy (DMD). Also called: MUSCULAR DYSTROPHY, PSEUDOHYPERTROPHIC PROGRESSIVE, DUCHENNE TYPE; Duchenne Muscular Dystrophy (DMD). Identifiers: Orphanet 98896, MedGen C0013264, MONDO:0010679, OMIM 310200.

Submission:

Labcorp Genetics (formerly Invitae), Labcorp
Classification: Pathogenic for Duchenne muscular dystrophy. Last evaluated: 2023-02-25. Review status: criteria provided, single submitter. Criteria: Invitae Variant Classification Sherloc (09022015). Collection method: clinical testing. Allele origin: unknown.
Comment: This variant results in a copy number gain of the genomic region encompassing exon(s) 46-60 of the DMD gene. While the exact position of this variant cannot be determined from the data, sub-genic copy number gains are generally in tandem (PMID: 25640679). This variant is predicted to be out-of-frame, and may result in an absent or disrupted protein product. Loss-of-function variants in DMD are known to be pathogenic (PMID: 16770791, 25007885). A similar copy number variant has been observed in individuals with DMD-related conditions (PMID: 16917894, 17259292). For these reasons, this variant has been classified as Pathogenic.

Literature cited by the submitters: PubMed 25640679; PubMed 16770791; PubMed 25007885; PubMed 16917894; PubMed 17259292.

NC_000023.10:g.(?_31462578)_(31950364_?)dup

Gene: DMD (dystrophin; minus strand). Cytogenetic location: Xp21.2-21.1.
Variant type: Duplication.
Identifiers: ClinVar variation 3243120 (VCV003243120.1).